The following is an entry in ClinVar:

NM_004336.5(BUB1):c.3242A>G (p.Lys1081Arg)

Gene: BUB1 (BUB1 mitotic checkpoint serine/threonine kinase; minus strand). Cytogenetic location: 2q13.
Variant type: single nucleotide variant.
Coding change: c.3242A>G on transcript NM_004336.5 (MANE Select); coding-DNA position 3242, A replaced by G.
Protein change: p.Lys1081Arg; replaces lysine 1081 with arginine.
Molecular consequence: missense variant.
Genome position (GRCh38, 1-based): chr2:110,637,980, T>C on the plus strand (A>G on the coding strand, the complement: BUB1 is on the minus strand). VCF-style: chr2-110637980-T-C. GRCh37 (hg19) VCF-style: chr2-111395557-T-C.
Other names: c.3182A>G, p.Lys1061Arg (NM_001278616.2); c.3071A>G, p.Lys1024Arg (NM_001278617.2); short protein forms K1024R, K1061R, K1081R.
Identifiers: ClinVar variation 3224090 (VCV003224090.1), dbSNP rs761394321, ClinGen allele CA348088232.

ClinVar aggregate classification (germline): Uncertain significance (1 of 4 stars; one submission).

Submission:

Ambry Genetics
Classification: Uncertain significance. Last evaluated: 2023-10-19. Review status: criteria provided, single submitter. Criteria: Ambry Variant Classification Scheme 2023. Collection method: clinical testing. Allele origin: germline.
Comment: The p.K1081R variant (also known as c.3242A>G), located in coding exon 25 of the BUB1 gene, results from an A to G substitution at nucleotide position 3242. The lysine at codon 1081 is replaced by arginine, an amino acid with highly similar properties. This amino acid position is conserved. In addition, this alteration is predicted to be tolerated by in silico analysis. Since supporting evidence is limited at this time, the clinical significance of this alteration remains unclear.